The following is an entry in ClinVar:

ClinVar aggregate classification (germline): Uncertain significance (1 of 4 stars; one submission).

Conditions:
Ehlers-Danlos syndrome, classic type, 1 (EDSCL1). Also called: Ehlers-Danlos Syndrome, Classic Type, COL5A1-Related; EHLERS-DANLOS SYNDROME, GRAVIS TYPE; EHLERS-DANLOS SYNDROME, SEVERE CLASSIC TYPE; Ehlers-Danlos syndrome, type 1; EDS I. Identifiers: MedGen C0268335, MONDO:0019567, OMIM 130000.

Submission:

Labcorp Genetics (formerly Invitae), Labcorp
Classification: Uncertain significance for Ehlers-Danlos syndrome, classic type, 1. Last evaluated: 2024-12-09. Review status: criteria provided, single submitter. Criteria: Invitae Variant Classification Sherloc (09022015). Collection method: clinical testing. Allele origin: germline.
Comment: This sequence change replaces proline, which is neutral and non-polar, with serine, which is neutral and polar, at codon 1361 of the COL5A1 protein (p.Pro1361Ser). This variant is not present in population databases (gnomAD no frequency). This variant has not been reported in the literature in individuals affected with COL5A1-related conditions. ClinVar contains an entry for this variant (Variation ID: 2130072). Invitae Evidence Modeling of protein sequence and biophysical properties (such as structural, functional, and spatial information, amino acid conservation, physicochemical variation, residue mobility, and thermodynamic stability) indicates that this missense variant is not expected to disrupt COL5A1 protein function with a negative predictive value of 95%. In summary, the available evidence is currently insufficient to determine the role of this variant in disease. Therefore, it has been classified as a Variant of Uncertain Significance.

NM_000093.5(COL5A1):c.4081C>T (p.Pro1361Ser)

Gene: COL5A1 (collagen type V alpha 1 chain; plus strand). Cytogenetic location: 9q34.3.
Variant type: single nucleotide variant.
Coding change: c.4081C>T on transcript NM_000093.5 (MANE Select); coding-DNA position 4081, C replaced by T.
Protein change: p.Pro1361Ser; replaces proline 1361 with serine.
Molecular consequence: missense variant.
Genome position (GRCh38, 1-based): chr9:134,815,947, C>T. VCF-style: chr9-134815947-C-T. GRCh37 (hg19) VCF-style: chr9-137707793-C-T.
Other names: c.4081C>T, p.Pro1361Ser (NM_001278074.1); short protein forms P1361S.
Identifiers: ClinVar variation 2130072 (VCV002130072.4), dbSNP rs779707124, ClinGen allele CA375456347.